The following is an entry in ClinVar:

ClinVar aggregate classification (germline): Uncertain significance. Review status: criteria provided, multiple submitters, no conflicts (2 of 4 stars). 2 submissions from 2 submitters: Uncertain significance (2). Last evaluated 2025-04-19.

Conditions:
Inborn genetic diseases. Identifiers: MedGen C0950123, MeSH D030342.
Bethlem myopathy 1A. Also called: MYOPATHY, BENIGN CONGENITAL, WITH CONTRACTURES; Bethlem Muscular Dystrophy; Bethlem myopathy 1. Identifiers: Orphanet 610, MedGen CN029274, MONDO:0024530, OMIM 158810.

Allele frequency attached by ClinVar (database versions not stated): gnomAD exomes below 0.00001.
gnomAD v4.1: 7 of 1,614,202 alleles (0.00043%); highest among the groups gnomAD compares: African/African-American, 0.0013%; no homozygotes.

Submissions (2):

Ambry Genetics
Classification: Uncertain significance for Inborn genetic diseases. Last evaluated: 2025-04-19. Review status: criteria provided, single submitter. Criteria: Ambry Variant Classification Scheme 2023. Collection method: clinical testing. Allele origin: germline.

Labcorp Genetics (formerly Invitae), Labcorp
Classification: Uncertain significance for Bethlem myopathy 1A. Last evaluated: 2021-09-29. Review status: criteria provided, single submitter. Criteria: Invitae Variant Classification Sherloc (09022015). Collection method: clinical testing. Allele origin: germline.
Comment: This sequence change replaces proline with arginine at codon 1922 of the COL6A3 protein (p.Pro1922Arg). The proline residue is highly conserved and there is a moderate physicochemical difference between proline and arginine. This variant is not present in population databases (ExAC no frequency). This variant has not been reported in the literature in individuals affected with COL6A3-related conditions. Advanced modeling of protein sequence and biophysical properties (such as structural, functional, and spatial information, amino acid conservation, physicochemical variation, residue mobility, and thermodynamic stability) performed at Invitae indicates that this missense variant is not expected to disrupt COL6A3 protein function. In summary, the available evidence is currently insufficient to determine the role of this variant in disease. Therefore, it has been classified as a Variant of Uncertain Significance.

NM_004369.4(COL6A3):c.5765C>G (p.Pro1922Arg)

Gene: COL6A3 (collagen type VI alpha 3 chain; minus strand). Cytogenetic location: 2q37.3.
Variant type: single nucleotide variant.
Coding change: c.5765C>G on transcript NM_004369.4 (MANE Select); coding-DNA position 5765, C replaced by G.
Protein change: p.Pro1922Arg; replaces proline 1922 with arginine.
Molecular consequence: missense variant.
Genome position (GRCh38, 1-based): chr2:237,365,771, G>C on the plus strand (C>G on the coding strand, the complement: COL6A3 is on the minus strand). VCF-style: chr2-237365771-G-C. GRCh37 (hg19) VCF-style: chr2-238274414-G-C.
Other names: c.3944C>G, p.Pro1315Arg (NM_057166.5); c.5147C>G, p.Pro1716Arg (NM_057167.4); c.5765C>G (NM_004369.3); short protein forms P1716R, P1922R, P1315R.
Identifiers: ClinVar variation 1418403 (VCV001418403.7), dbSNP rs1351246573, ClinGen allele CA351185749.